The following is an entry in ClinVar:

ClinVar aggregate classification (germline): Conflicting classifications of pathogenicity. Review status: criteria provided, conflicting classifications (1 of 4 stars). 2 submissions from 2 submitters: Uncertain significance (1); Likely benign (1). Last evaluated 2025-02-26.

Conditions:
Cardiovascular phenotype. Identifiers: MedGen CN230736.
Long QT syndrome (LQTS). Identifiers: MedGen C0023976, MeSH D008133, MONDO:0002442. Disease mechanism: loss of function. Inheritance: Various modes of inheritance.

Allele frequency attached by ClinVar (database versions not stated): gnomAD exomes 0.00001 and 0.00002; gnomAD 0.00005 and 0.00006; TOPMed 0.00005; 1000 Genomes Project 30x 0.00016; 1000 Genomes Project 0.00020.
gnomAD v4.1: 20 of 1,614,028 alleles (0.0012%); highest among the groups gnomAD compares: African/African-American, 0.023%; no homozygotes.

Submissions (2):

Ambry Genetics
Classification: Likely benign for Cardiovascular phenotype. Last evaluated: 2025-02-26. Review status: criteria provided, single submitter. Criteria: Ambry Variant Classification Scheme 2023. Collection method: clinical testing. Allele origin: germline.

Labcorp Genetics (formerly Invitae), Labcorp
Classification: Uncertain significance for Long QT syndrome. Last evaluated: 2022-05-12. Review status: criteria provided, single submitter. Criteria: Invitae Variant Classification Sherloc (09022015). Collection method: clinical testing. Allele origin: germline.
Comment: In summary, the available evidence is currently insufficient to determine the role of this variant in disease. Therefore, it has been classified as a Variant of Uncertain Significance. Algorithms developed to predict the effect of missense changes on protein structure and function are either unavailable or do not agree on the potential impact of this missense change (SIFT: "Deleterious"; PolyPhen-2: "Possibly Damaging"; Align-GVGD: "Class C0"). ClinVar contains an entry for this variant (Variation ID: 1039424). This variant has not been reported in the literature in individuals affected with AKAP9-related conditions. This variant is present in population databases (rs537613965, gnomAD 0.03%). This sequence change replaces isoleucine, which is neutral and non-polar, with arginine, which is basic and polar, at codon 2522 of the AKAP9 protein (p.Ile2522Arg).

NM_005751.5(AKAP9):c.7565T>G (p.Ile2522Arg)

Gene: AKAP9 (A-kinase anchoring protein 9; plus strand). Cytogenetic location: 7q21.2.
Variant type: single nucleotide variant.
Coding change: c.7565T>G on transcript NM_005751.5 (MANE Select); coding-DNA position 7565, T replaced by G.
Protein change: p.Ile2522Arg; replaces isoleucine 2522 with arginine.
Molecular consequence: missense variant.
Genome position (GRCh38, 1-based): chr7:92,079,698, T>G. VCF-style: chr7-92079698-T-G. GRCh37 (hg19) VCF-style: chr7-91709012-T-G.
Other names: c.2210T>G, p.Ile737Arg (NM_001379277.1); c.7541T>G, p.Ile2514Arg (NM_147185.3); c.7565T>G (NM_005751.4); short protein forms I2514R, I737R, I2522R.
Identifiers: ClinVar variation 1039424 (VCV001039424.9), dbSNP rs537613965, ClinGen allele CA4337309.